The following is an entry in ClinVar:

ClinVar aggregate classification (germline): Uncertain significance (1 of 4 stars; one submission).

Allele frequency attached by ClinVar (database versions not stated): TOPMed below 0.00001; ExAC 0.00001; gnomAD 0.00001; gnomAD exomes 0.00001 and 0.00002.
gnomAD v4.1: 7 of 1,613,978 alleles (0.00043%); highest among the groups gnomAD compares: Admixed American, 0.012%; no homozygotes.

Submission:

Labcorp Genetics (formerly Invitae), Labcorp
Classification: Uncertain significance. Last evaluated: 2022-02-09. Review status: criteria provided, single submitter. Criteria: Invitae Variant Classification Sherloc (09022015). Collection method: clinical testing. Allele origin: germline.
Comment: Algorithms developed to predict the effect of missense changes on protein structure and function are either unavailable or do not agree on the potential impact of this missense change (SIFT: "Deleterious"; PolyPhen-2: "Benign"; Align-GVGD: "Class C55"). In summary, the available evidence is currently insufficient to determine the role of this variant in disease. Therefore, it has been classified as a Variant of Uncertain Significance. This sequence change replaces threonine, which is neutral and polar, with alanine, which is neutral and non-polar, at codon 1271 of the VCAN protein (p.Thr1271Ala). This variant is present in population databases (rs766266850, gnomAD 0.02%). This variant has not been reported in the literature in individuals affected with VCAN-related conditions. ClinVar contains an entry for this variant (Variation ID: 1051359).

NM_004385.5(VCAN):c.3811A>G (p.Thr1271Ala)

Gene: VCAN (versican; plus strand). Cytogenetic location: 5q14.3.
Variant type: single nucleotide variant.
Coding change: c.3811A>G on transcript NM_004385.5 (MANE Select); coding-DNA position 3811, A replaced by G.
Protein change: p.Thr1271Ala; replaces threonine 1271 with alanine.
Molecular consequence: missense variant. On other transcripts: intron variant (2).
Genome position (GRCh38, 1-based): chr5:83,522,117, A>G. VCF-style: chr5-83522117-A-G. GRCh37 (hg19) VCF-style: chr5-82817936-A-G.
Other names: c.3811A>G, p.Thr1271Ala (NM_001164098.2); c.1042+9721A>G (NM_001164097.2, NM_001126336.3); short protein forms T1271A.
Identifiers: ClinVar variation 1051359 (VCV001051359.7), dbSNP rs766266850, ClinGen allele CA3333063.